The following is an entry in ClinVar:

ClinVar aggregate classification (germline): Uncertain significance (1 of 4 stars; one submission).

Conditions:
Breast-ovarian cancer, familial, susceptibility to, 4. Identifiers: Orphanet 145, MedGen C3280345, MONDO:0013669, OMIM 614291.

Submission:

Labcorp Genetics (formerly Invitae), Labcorp
Classification: Uncertain significance for Breast-ovarian cancer, familial, susceptibility to, 4. Last evaluated: 2021-08-17. Review status: criteria provided, single submitter. Criteria: Invitae Variant Classification Sherloc (09022015). Collection method: clinical testing. Allele origin: germline.
Comment: This variant has not been reported in the literature in individuals affected with RAD51D-related conditions. Variants that disrupt the consensus splice site are a relatively common cause of aberrant splicing (PMID: 17576681, 9536098). Algorithms developed to predict the effect of sequence changes on RNA splicing suggest that this variant may disrupt the consensus splice site. In summary, the available evidence is currently insufficient to determine the role of this variant in disease. Therefore, it has been classified as a Variant of Uncertain Significance. This variant is not present in population databases (ExAC no frequency). This sequence change falls in intron 7 of the RAD51D gene. It does not directly change the encoded amino acid sequence of the RAD51D protein. It affects a nucleotide within the consensus splice site of the intron.

Literature cited by the submitters: PubMed 17576681; PubMed 9536098.

NM_002878.4(RAD51D):c.667+4A>T

Genes: RAD51D (RAD51 paralog D; minus strand), RAD51L3-RFFL (RAD51L3-RFFL readthrough; minus strand). Cytogenetic location: 17q12.
Variant type: single nucleotide variant.
Coding change: c.667+4A>T on transcript NM_002878.4 (MANE Select); 4 bases into the intron after coding-DNA position 667, A replaced by T.
Molecular consequence: intron variant.
Genome position (GRCh38, 1-based): chr17:35,103,450, T>A on the plus strand (A>T on the coding strand, the complement: RAD51D is on the minus strand). VCF-style: chr17-35103450-T-A. GRCh37 (hg19) VCF-style: chr17-33430469-T-A.
Other names: c.331+4A>T (NM_133629.3); c.727+4A>T (NM_001142571.2).
Identifiers: ClinVar variation 1375574 (VCV001375574.6), dbSNP rs2142420128, ClinGen allele CA2573153494.